The following is an entry in ClinVar:

NM_002204.4(ITGA3):c.3104C>T (p.Ala1035Val)

Gene: ITGA3 (integrin subunit alpha 3; plus strand). Cytogenetic location: 17q21.33.
Variant type: single nucleotide variant.
Coding change: c.3104C>T on transcript NM_002204.4 (MANE Select); coding-DNA position 3104, C replaced by T.
Protein change: p.Ala1035Val; replaces alanine 1035 with valine.
Molecular consequence: missense variant.
Genome position (GRCh38, 1-based): chr17:50,088,283, C>T. VCF-style: chr17-50088283-C-T. GRCh37 (hg19) VCF-style: chr17-48165647-C-T.
Other names: short protein forms A1035V.
Identifiers: ClinVar variation 1509628 (VCV001509628.11), dbSNP rs757812706, ClinGen allele CA8642164.

ClinVar aggregate classification (germline): Uncertain significance. Review status: criteria provided, multiple submitters, no conflicts (2 of 4 stars). 2 submissions from 2 submitters: Uncertain significance (2). Last evaluated 2024-04-20.

Conditions:
Epidermolysis bullosa, junctional 7, with interstitial lung disease and nephrotic syndrome. Also called: Interstitial Lung Disease with Nephrotic Syndrome and Epidermolysis Bullosa; Interstitial lung disease, nephrotic syndrome, and epidermolysis bullosa, congenital. Identifiers: Orphanet 306504, MedGen C4518785, MONDO:0013881, OMIM 614748.

Allele frequency attached by ClinVar (database versions not stated): ExAC 0.00010; TOPMed 0.00013; gnomAD 0.00006.
gnomAD v4.1: 26 of 1,590,576 alleles (0.0016%); highest among the groups gnomAD compares: African/African-American, 0.0054%; no homozygotes.

Submissions (2):

Fulgent Genetics
Classification: Uncertain significance for Epidermolysis bullosa, junctional 7, with interstitial lung disease and nephrotic syndrome. Last evaluated: 2024-04-20. Review status: criteria provided, single submitter. Criteria: ACMG Guidelines, 2015. Collection method: clinical testing. Allele origin: germline.

Labcorp Genetics (formerly Invitae), Labcorp
Classification: Uncertain significance. Last evaluated: 2022-01-03. Review status: criteria provided, single submitter. Criteria: Invitae Variant Classification Sherloc (09022015). Collection method: clinical testing. Allele origin: germline.
Comment: This sequence change replaces alanine, which is neutral and non-polar, with valine, which is neutral and non-polar, at codon 1035 of the ITGA3 protein (p.Ala1035Val). The frequency data for this variant in the population databases is considered unreliable, as metrics indicate poor data quality at this position in the gnomAD database. This variant has not been reported in the literature in individuals affected with ITGA3-related conditions. Algorithms developed to predict the effect of missense changes on protein structure and function (SIFT, PolyPhen-2, Align-GVGD) all suggest that this variant is likely to be tolerated. Algorithms developed to predict the effect of sequence changes on RNA splicing suggest that this variant may create or strengthen a splice site. In summary, the available evidence is currently insufficient to determine the role of this variant in disease. Therefore, it has been classified as a Variant of Uncertain Significance.